The following is an entry in ClinVar:

ClinVar aggregate classification (germline): Uncertain significance (1 of 4 stars; one submission).

gnomAD v4.1: 11 of 1,613,780 alleles (0.00068%); highest among the groups gnomAD compares: Non-Finnish European, 0.00085%; no homozygotes.

Submission:

GeneDx
Classification: Uncertain significance. Last evaluated: 2019-10-03. Review status: criteria provided, single submitter. Criteria: GeneDx Variant Classification Process June 2021. Collection method: clinical testing. Allele origin: germline. Affected: yes.
Comment: In silico analysis, which includes protein predictors and evolutionary conservation, supports a deleterious effect; Has not been previously published as pathogenic or benign to our knowledge

NM_001080414.4(CCDC88C):c.934C>G (p.Arg312Gly)

Gene: CCDC88C (coiled-coil domain containing 88C; minus strand). Cytogenetic location: 14q32.11.
Variant type: single nucleotide variant.
Coding change: c.934C>G on transcript NM_001080414.4 (MANE Select); coding-DNA position 934, C replaced by G.
Protein change: p.Arg312Gly; replaces arginine 312 with glycine.
Molecular consequence: missense variant.
Genome position (GRCh38, 1-based): chr14:91,338,121, G>C on the plus strand (C>G on the coding strand, the complement: CCDC88C is on the minus strand). VCF-style: chr14-91338121-G-C. GRCh37 (hg19) VCF-style: chr14-91804465-G-C.
Other names: short protein forms R312G.
Identifiers: ClinVar variation 421146 (VCV000421146.3), dbSNP rs369384363, ClinGen allele CA7310046.